The following is an entry in ClinVar:

ClinVar aggregate classification (germline): Uncertain significance (1 of 4 stars; one submission).

Submission:

GeneDx
Classification: Uncertain significance. Last evaluated: 2024-08-30. Review status: criteria provided, single submitter. Criteria: GeneDx Variant Classification Process June 2021. Collection method: clinical testing. Allele origin: germline. Affected: yes.
Comment: Not observed at significant frequency in large population cohorts (gnomAD); In silico analysis supports that this missense variant has a deleterious effect on protein structure/function; Has not been previously published as pathogenic or benign to our knowledge

NM_004700.4(KCNQ4):c.1519C>A (p.Pro507Thr)

Gene: KCNQ4 (potassium voltage-gated channel subfamily Q member 4; plus strand). Cytogenetic location: 1p34.2.
Variant type: single nucleotide variant.
Coding change: c.1519C>A on transcript NM_004700.4 (MANE Select); coding-DNA position 1519, C replaced by A.
Protein change: p.Pro507Thr; replaces proline 507 with threonine.
Molecular consequence: missense variant.
Genome position (GRCh38, 1-based): chr1:40,833,019, C>A. VCF-style: chr1-40833019-C-A. GRCh37 (hg19) VCF-style: chr1-41298691-C-A.
Other names: c.1357C>A, p.Pro453Thr (NM_172163.3); short protein forms P453T, P507T.
Identifiers: ClinVar variation 3766002 (VCV003766002.1).
Genomic context (GRCh38, chr1:40,833,019, plus strand): 5'-GGAGGTTGGGAGTGGCCCCTTTGGTGGGCCACTTGCCCCATACCTGCCTTTTCAGATGCC[C>A]CCTCAGAGGAAGTAGCAGAGGAGAAGAGCTACCAGTGTGAGCTCACGGTGGACGACATCA-3'
Protein context (NP_004691.2, residues 497-517): LKPRTSAEDA[Pro507Thr]SEEVAEEKSY